The following is an entry in ClinVar:

ClinVar aggregate classification (germline): Uncertain significance (1 of 4 stars; one submission).

Conditions:
Familial focal epilepsy with variable foci (FPEVF). Identifiers: Orphanet 98820, MedGen C1858477, MONDO:0020310.

Submission:

Labcorp Genetics (formerly Invitae), Labcorp
Classification: Uncertain significance for Familial focal epilepsy with variable foci. Last evaluated: 2022-07-19. Review status: criteria provided, single submitter. Criteria: Invitae Variant Classification Sherloc (09022015). Collection method: clinical testing. Allele origin: germline.
Comment: In summary, the available evidence is currently insufficient to determine the role of this variant in disease. Therefore, it has been classified as a Variant of Uncertain Significance. Variants that disrupt the consensus splice site are a relatively common cause of aberrant splicing (PMID: 17576681, 9536098). Algorithms developed to predict the effect of sequence changes on RNA splicing suggest that this variant may disrupt the consensus splice site. ClinVar contains an entry for this variant (Variation ID: 1378662). This variant has not been reported in the literature in individuals affected with DEPDC5-related conditions. This variant is not present in population databases (gnomAD no frequency). This sequence change falls in intron 39 of the DEPDC5 gene. It does not directly change the encoded amino acid sequence of the DEPDC5 protein. It affects a nucleotide within the consensus splice site.

Literature cited by the submitters: PubMed 17576681; PubMed 9536098.

NM_001242896.3(DEPDC5):c.4204-3C>G

Gene: DEPDC5 (DEP domain containing 5, GATOR1 subcomplex subunit; plus strand). Cytogenetic location: 22q12.3.
Variant type: single nucleotide variant.
Coding change: c.4204-3C>G on transcript NM_001242896.3 (MANE Select); 3 bases into the intron before coding-DNA position 4204, C replaced by G.
Molecular consequence: intron variant.
Genome position (GRCh38, 1-based): chr22:31,897,479, C>G. VCF-style: chr22-31897479-C-G. GRCh37 (hg19) VCF-style: chr22-32293465-C-G.
Other names: c.4204-3C>G (NM_001364318.2); c.4177-3C>G (NM_001136029.4); c.4111-3C>G (NM_014662.6, NM_001369903.1); c.4138-3C>G (NM_001363852.2, NM_001364320.2); c.3970-3C>G (NM_001363854.2, NM_001364319.2); c.3904-3C>G (NM_001242897.2); c.4120-3C>G (NM_001369902.1, NM_001369901.1).
Identifiers: ClinVar variation 1378662 (VCV001378662.6), dbSNP rs2149397030, ClinGen allele CA2573158044.